The following is an entry in ClinVar:

ClinVar aggregate classification (germline): Uncertain significance (1 of 4 stars; one submission).

Conditions:
Combined immunodeficiency due to LRBA deficiency. Also called: Common variable immunodeficiency 8, with autoimmunity. Identifiers: Orphanet 445018, MedGen C3553512, MONDO:0013863, OMIM 614700.

Allele frequency attached by ClinVar (database versions not stated): gnomAD exomes below 0.00001; gnomAD 0.00001; TOPMed 0.00001.
gnomAD v4.1: 3 of 1,613,228 alleles (0.00019%); highest among the groups gnomAD compares: African/African-American, 0.0013%; no homozygotes.

Submission:

Labcorp Genetics (formerly Invitae), Labcorp
Classification: Uncertain significance for Combined immunodeficiency due to LRBA deficiency. Last evaluated: 2021-08-24. Review status: criteria provided, single submitter. Criteria: Invitae Variant Classification Sherloc (09022015). Collection method: clinical testing. Allele origin: germline.
Comment: This sequence change replaces alanine with threonine at codon 2784 of the LRBA protein (p.Ala2784Thr). The alanine residue is moderately conserved and there is a small physicochemical difference between alanine and threonine. This variant is not present in population databases (ExAC no frequency). This variant has not been reported in the literature in individuals affected with LRBA-related conditions. Algorithms developed to predict the effect of missense changes on protein structure and function are either unavailable or do not agree on the potential impact of this missense change (SIFT: "Tolerated"; PolyPhen-2: "Probably Damaging"; Align-GVGD: "Class C0"). In summary, the available evidence is currently insufficient to determine the role of this variant in disease. Therefore, it has been classified as a Variant of Uncertain Significance.

NM_001364905.1(LRBA):c.8317G>A (p.Ala2773Thr)

Gene: LRBA (LPS responsive beige-like anchor protein; minus strand). Cytogenetic location: 4q31.3.
Variant type: single nucleotide variant.
Coding change: c.8317G>A on transcript NM_001364905.1 (MANE Select); coding-DNA position 8317, G replaced by A.
Protein change: p.Ala2773Thr; replaces alanine 2773 with threonine.
Molecular consequence: missense variant.
Genome position (GRCh38, 1-based): chr4:150,278,004, C>T on the plus strand (G>A on the coding strand, the complement: LRBA is on the minus strand). VCF-style: chr4-150278004-C-T. GRCh37 (hg19) VCF-style: chr4-151199156-C-T.
Other names: c.8314G>A, p.Ala2772Thr (NM_001199282.3); c.8332G>A, p.Ala2778Thr (NM_001367550.1); c.8350G>A, p.Ala2784Thr (NM_006726.5); short protein forms A2784T, A2773T, A2778T, A2772T.
Identifiers: ClinVar variation 571100 (VCV000571100.6), dbSNP rs1015318367, ClinGen allele CA107808755.